The following is an entry in ClinVar:

ClinVar aggregate classification (germline): Uncertain significance. Review status: criteria provided, multiple submitters, no conflicts (2 of 4 stars). 4 submissions from 4 submitters: Uncertain significance (4). Last evaluated 2026-02-01.

Conditions:
Inborn genetic diseases. Identifiers: MedGen C0950123, MeSH D030342.

Allele frequency attached by ClinVar (database versions not stated): gnomAD 0.00009 and 0.00010; ExAC 0.00012; TOPMed 0.00013; gnomAD exomes 0.00014 and 0.00017; ESP Exome Variant Server 0.00015.
gnomAD v4.1: 264 of 1,614,048 alleles (0.016%); highest among the groups gnomAD compares: South Asian, 0.019%; 2 homozygotes.

Submissions (6):

CeGaT Center for Human Genetics Tuebingen
Classification: Uncertain significance. Last evaluated: 2026-02-01. Review status: criteria provided, single submitter. Criteria: CeGaT Center For Human Genetics Tuebingen Variant Classification Criteria Version 2. Collection method: clinical testing. Allele origin: germline. Affected: yes. Observed: 2 variant alleles.

Ambry Genetics
Classification: Uncertain significance for Inborn genetic diseases. Last evaluated: 2025-08-04. Review status: criteria provided, single submitter. Criteria: Ambry Variant Classification Scheme 2023. Collection method: clinical testing. Allele origin: germline.

Labcorp Genetics (formerly Invitae), Labcorp
Classification: Uncertain significance. Last evaluated: 2023-12-21. Review status: criteria provided, single submitter. Criteria: Invitae Variant Classification Sherloc (09022015). Collection method: clinical testing. Allele origin: germline.
Comment: This sequence change replaces arginine, which is basic and polar, with glutamine, which is neutral and polar, at codon 137 of the FLAD1 protein (p.Arg137Gln). This variant is present in population databases (rs61741145, gnomAD 0.02%). This variant has not been reported in the literature in individuals affected with FLAD1-related conditions. ClinVar contains an entry for this variant (Variation ID: 1352172). An algorithm developed to predict the effect of missense changes on protein structure and function (PolyPhen-2) suggests that this variant¬†is likely to be tolerated. In summary, the available evidence is currently insufficient to determine the role of this variant in disease. Therefore, it has been classified as a Variant of Uncertain Significance.

GeneDx
Classification: Uncertain significance. Last evaluated: 2023-05-25. Review status: criteria provided, single submitter. Criteria: GeneDx Variant Classification Process June 2021. Collection method: clinical testing. Allele origin: germline. Affected: yes.
Comment: In silico analysis supports that this missense variant does not alter protein structure/function; Has not been previously published as pathogenic or benign to our knowledge

Dr. Peter K. Rogan Lab, Western University
No classification provided (evidence only). Condition: Melanoma. Review status: no classification provided. Collection method: in vitro. Allele origin: not applicable. Functional consequence: retained intron. Not counted in ClinVar's aggregate classification.

Dr. Peter K. Rogan Lab, Western University
No classification provided (evidence only). Condition: Gastric cancer. Review status: no classification provided. Collection method: in vitro. Allele origin: not applicable. Functional consequence: retained intron. Not counted in ClinVar's aggregate classification.

NM_025207.5(FLAD1):c.410G>A (p.Arg137Gln)

Gene: FLAD1 (flavin adenine dinucleotide synthetase 1; plus strand). Cytogenetic location: 1q21.3.
Variant type: single nucleotide variant.
Coding change: c.410G>A on transcript NM_025207.5 (MANE Select); coding-DNA position 410, G replaced by A.
Protein change: p.Arg137Gln; replaces arginine 137 with glutamine.
Molecular consequence: missense variant.
Genome position (GRCh38, 1-based): chr1:154,988,142, G>A. VCF-style: chr1-154988142-G-A. GRCh37 (hg19) VCF-style: chr1-154960618-G-A.
Other names: c.119G>A, p.Arg40Gln (NM_001184891.2, NM_201398.3); c.113G>A, p.Arg38Gln (NM_001184892.2); c.410G>A (NM_025207.4); short protein forms R137Q, R38Q, R40Q.
Identifiers: ClinVar variation 1352172 (VCV001352172.30), dbSNP rs61741145, ClinGen allele CA1134322.
Genomic context (GRCh38, chr1:154,988,142, plus strand): 5'-TCATCTTCCCCTTCAACCCCCAGGGACACACTCAGGACACCAACACCTTCTTTCTGTGCC[G>A]GACACTGCGCTCCCTAGGGGTCCAGGTTTGCCGAGTCTCAGTTGTACCTGATGAGGTAGC-3'
Protein context (NP_079483.3, residues 127-147): TQDTNTFFLC[Arg137Gln]TLRSLGVQVC